The following is an entry in ClinVar:

NM_032380.5(GFM2):c.263A>G (p.Glu88Gly)

Gene: GFM2 (GTP dependent ribosome recycling factor mitochondrial 2; minus strand). Cytogenetic location: 5q13.3.
Variant type: single nucleotide variant.
Coding change: c.263A>G on transcript NM_032380.5 (MANE Select); coding-DNA position 263, A replaced by G.
Protein change: p.Glu88Gly; replaces glutamic acid 88 with glycine.
Molecular consequence: missense variant. On other transcripts: non-coding transcript variant (1).
Genome position (GRCh38, 1-based): chr5:74,758,890, T>C on the plus strand (A>G on the coding strand, the complement: GFM2 is on the minus strand). VCF-style: chr5-74758890-T-C. GRCh37 (hg19) VCF-style: chr5-74054715-T-C.
Other names: p.Glu88Gly; c.263A>G (NM_032380.3); c.359A>G, p.Glu120Gly (NM_001281302.2); c.263A>G, p.Glu88Gly (NM_170681.3, NM_170691.3); short protein forms E88G, E120G.
Identifiers: ClinVar variation 2073679 (VCV002073679.6), dbSNP rs149216145, ClinGen allele CA3306874.
Genomic context (GRCh38, chr5:74,758,890, plus strand): 5'-AGGAGGAATCCATTCTAACCTCCCAGTGATCTTGTATATCCGGAATAGTACAATATTCTT[T>C]CTGTGGTGGTAGTTTTGCCTGCATCAATATGAGCCATAATTCCAATATTACGGATTCTGT-3'
Protein context (NP_115756.2, residues 78-98): HIDAGKTTTT[Glu88Gly]RILYYSGYTR

ClinVar aggregate classification (germline): Uncertain significance. Review status: criteria provided, multiple submitters, no conflicts (2 of 4 stars). 3 submissions from 3 submitters: Uncertain significance (3). Last evaluated 2026-01-24.

Allele frequency attached by ClinVar (database versions not stated): ExAC 0.00002; TOPMed 0.00002; gnomAD 0.00003; ESP Exome Variant Server 0.00008; gnomAD exomes 0.00008.
gnomAD v4.1: 125 of 1,610,232 alleles (0.0078%); highest among the groups gnomAD compares: Non-Finnish European, 0.01%; no homozygotes.

Submissions (3):

Labcorp Genetics (formerly Invitae), Labcorp
Classification: Uncertain significance. Last evaluated: 2026-01-24. Review status: criteria provided, single submitter. Criteria: Invitae Variant Classification Sherloc (09022015). Collection method: clinical testing. Allele origin: germline.
Comment: This sequence change replaces glutamic acid, which is acidic and polar, with glycine, which is neutral and non-polar, at codon 88 of the GFM2 protein (p.Glu88Gly). This variant is present in population databases (rs149216145, gnomAD 0.006%). This variant has not been reported in the literature in individuals affected with GFM2-related conditions. ClinVar contains an entry for this variant (Variation ID: 2073679). Invitae Evidence Modeling of protein sequence and biophysical properties (such as structural, functional, and spatial information, amino acid conservation, physicochemical variation, residue mobility, and thermodynamic stability) indicates that this missense variant is expected to disrupt GFM2 protein function with a positive predictive value of 80%. In summary, the available evidence is currently insufficient to determine the role of this variant in disease. Therefore, it has been classified as a Variant of Uncertain Significance.

GeneDx
Classification: Uncertain significance. Last evaluated: 2024-12-18. Review status: criteria provided, single submitter. Criteria: GeneDx Variant Classification Process June 2021. Collection method: clinical testing. Allele origin: germline. Affected: yes.
Comment: Not observed at significant frequency in large population cohorts (gnomAD); In silico analysis supports that this missense variant has a deleterious effect on protein structure/function; Has not been previously published as pathogenic or benign to our knowledge

Mayo Clinic Laboratories, Mayo Clinic
Classification: Uncertain significance. Last evaluated: 2023-11-27. Review status: criteria provided, single submitter. Criteria: ACMG Guidelines, 2015. Collection method: clinical testing. Allele origin: germline. Observed: 1 variant allele.
Comment: PP3, PM2_moderate